The following is an entry in ClinVar:

NM_001145809.2(MYH14):c.2635C>T (p.Arg879Trp)

Gene: MYH14 (myosin heavy chain 14; plus strand). Cytogenetic location: 19q13.33.
Variant type: single nucleotide variant.
Coding change: c.2635C>T on transcript NM_001145809.2 (MANE Select); coding-DNA position 2635, C replaced by T.
Protein change: p.Arg879Trp; replaces arginine 879 with tryptophan.
Molecular consequence: missense variant.
Genome position (GRCh38, 1-based): chr19:50,263,361, C>T. VCF-style: chr19-50263361-C-T. GRCh37 (hg19) VCF-style: chr19-50766618-C-T.
Other names: c.2536C>T, p.Arg846Trp (NM_001077186.2); c.2512C>T, p.Arg838Trp (NM_024729.4); short protein forms R838W, R846W, R879W.
Identifiers: ClinVar variation 1189710 (VCV001189710.2), dbSNP rs748547813, ClinGen allele CA9593019.

ClinVar aggregate classification (germline): Uncertain significance (1 of 4 stars; one submission).

Allele frequency attached by ClinVar (database versions not stated): TOPMed below 0.00001.

Submission:

GeneDx
Classification: Uncertain significance. Last evaluated: 2021-01-21. Review status: criteria provided, single submitter. Criteria: GeneDx Variant Classification Process June 2021. Collection method: clinical testing. Allele origin: germline. Affected: yes.
Comment: In silico analysis, which includes protein predictors and evolutionary conservation, supports a deleterious effect; Has not been previously published as pathogenic or benign to our knowledge